The following is an entry in ClinVar:

NM_001035.3(RYR2):c.4513C>T (p.Leu1505=)

Gene: RYR2 (ryanodine receptor 2; plus strand). Cytogenetic location: 1q43.
Variant type: single nucleotide variant.
Coding change: c.4513C>T on transcript NM_001035.3 (MANE Select); coding-DNA position 4513, C replaced by T.
Protein change: p.Leu1505=; no amino-acid change (leucine 1505 retained).
Molecular consequence: synonymous variant.
Genome position (GRCh38, 1-based): chr1:237,595,574, C>T. VCF-style: chr1-237595574-C-T. GRCh37 (hg19) VCF-style: chr1-237758874-C-T.
Identifiers: ClinVar variation 3070676 (VCV003070676.1), dbSNP rs1057518306, ClinGen allele CA423820391.

ClinVar aggregate classification (germline): Likely benign (1 of 4 stars; one submission).

Conditions:
Catecholaminergic polymorphic ventricular tachycardia (CVPT). Also called: Catecholamine-induced polymorphic ventricular tachycardia. Identifiers: Orphanet 3286, MedGen C5574922, MONDO:0017990.

gnomAD v4.1: 2 of 1,613,604 alleles (0.00012%); highest among the groups gnomAD compares: Non-Finnish European, 0.00017%; no homozygotes.

Submission:

All of Us Research Program, National Institutes of Health
Classification: Likely benign for Catecholaminergic polymorphic ventricular tachycardia. Last evaluated: 2023-05-04. Review status: criteria provided, single submitter. Criteria: ACMG Guidelines, 2015. Collection method: clinical testing. Allele origin: germline. Inheritance: Autosomal dominant inheritance. Observed: 1 variant allele, 1 heterozygote.
Comment: This study involves interpretation of variants in research participants for the purpose of population health screening. Participant phenotype was not available at the time of variant classification. Additional details can be found in publication PMID: 35346344, PMCID: PMC8962531